The following is an entry in ClinVar:

NM_005045.4(RELN):c.9360G>A (p.Met3120Ile)

Genes: SLC26A5-AS1 (SLC26A5 antisense RNA 1; plus strand), RELN (reelin; minus strand). Cytogenetic location: 7q22.1.
Variant type: single nucleotide variant.
Coding change: c.9360G>A on transcript NM_005045.4 (MANE Select); coding-DNA position 9360, G replaced by A.
Protein change: p.Met3120Ile; replaces methionine 3120 with isoleucine.
Molecular consequence: missense variant.
Genome position (GRCh38, 1-based): chr7:103,495,732, C>T on the plus strand (G>A on the coding strand, the complement: RELN is on the minus strand). VCF-style: chr7-103495732-C-T. GRCh37 (hg19) VCF-style: chr7-103136179-C-T.
Other names: c.9360G>A, p.Met3120Ile (NM_173054.3); short protein forms M3120I.
Identifiers: ClinVar variation 3749741 (VCV003749741.2).

ClinVar aggregate classification (germline): Uncertain significance (1 of 4 stars; one submission).

Conditions:
Familial temporal lobe epilepsy 7. Identifiers: Orphanet 101046, MedGen C4225327, MONDO:0014639, OMIM 616436.
Norman-Roberts syndrome (LIS2). Also called: Lissencephaly 2 (Norman-Roberts type). Identifiers: Orphanet 89844, MedGen C0796089, MONDO:0009760, OMIM 257320.

gnomAD v4.1: 5 of 1,614,014 alleles (0.00031%); highest among the groups gnomAD compares: Non-Finnish European, 0.00025%; no homozygotes.

Submission:

Labcorp Genetics (formerly Invitae), Labcorp
Classification: Uncertain significance for Familial temporal lobe epilepsy 7; Norman-Roberts syndrome. Last evaluated: 2024-09-19. Review status: criteria provided, single submitter. Criteria: Invitae Variant Classification Sherloc (09022015). Collection method: clinical testing. Allele origin: germline.
Comment: This sequence change replaces methionine, which is neutral and non-polar, with isoleucine, which is neutral and non-polar, at codon 3120 of the RELN protein (p.Met3120Ile). This variant is present in population databases (rs773639492, gnomAD 0.0009%). This variant has not been reported in the literature in individuals affected with RELN-related conditions. Invitae Evidence Modeling of protein sequence and biophysical properties (such as structural, functional, and spatial information, amino acid conservation, physicochemical variation, residue mobility, and thermodynamic stability) indicates that this missense variant is not expected to disrupt RELN protein function with a negative predictive value of 80%. In summary, the available evidence is currently insufficient to determine the role of this variant in disease. Therefore, it has been classified as a Variant of Uncertain Significance.